The following is an entry in ClinVar:

NM_133433.4(NIPBL):c.4683G>C (p.Leu1561=)

Gene: NIPBL (NIPBL cohesin loading factor; plus strand). Cytogenetic location: 5p13.2.
Variant type: single nucleotide variant.
Coding change: c.4683G>C on transcript NM_133433.4 (MANE Select); coding-DNA position 4683, G replaced by C.
Protein change: p.Leu1561=; no amino-acid change (leucine 1561 retained).
Molecular consequence: synonymous variant.
Genome position (GRCh38, 1-based): chr5:37,016,077, G>C. VCF-style: chr5-37016077-G-C. GRCh37 (hg19) VCF-style: chr5-37016179-G-C.
Other names: c.4683G>C, p.Leu1561= (NM_015384.5).
Identifiers: ClinVar variation 195783 (VCV000195783.18), dbSNP rs756897581, ClinGen allele CA242374.

ClinVar aggregate classification (germline): Conflicting classifications of pathogenicity. Review status: criteria provided, conflicting classifications (1 of 4 stars). 4 submissions from 4 submitters: Uncertain significance (1); Likely benign (3). Last evaluated 2026-06-01.

Conditions:
Cornelia de Lange syndrome 1 (CDLS1). Also called: NIPBL-Related Cornelia de Lange Syndrome; TYPUS DEGENERATIVUS AMSTELODAMENSIS; Brachmann de Lange syndrome. Identifiers: Orphanet 199, MedGen C4551851, MONDO:0007387, OMIM 122470.

Allele frequency attached by ClinVar (database versions not stated): ExAC 0.00002; gnomAD 0.00002 and 0.00003; gnomAD exomes 0.00003; TOPMed 0.00013.
gnomAD v4.1: 46 of 1,613,814 alleles (0.0029%); highest among the groups gnomAD compares: Admixed American, 0.023%; no homozygotes.

Submissions (4):

CeGaT Center for Human Genetics Tuebingen
Classification: Likely benign. Last evaluated: 2026-06-01. Review status: criteria provided, single submitter. Criteria: CeGaT Center For Human Genetics Tuebingen Variant Classification Criteria Version 2. Collection method: clinical testing. Allele origin: germline. Affected: yes. Observed: 2 variant alleles.
Comment: NIPBL: BP4, BP7

Labcorp Genetics (formerly Invitae), Labcorp
Classification: Likely benign for Cornelia de Lange syndrome 1. Last evaluated: 2025-12-01. Review status: criteria provided, single submitter. Criteria: Invitae Variant Classification Sherloc (09022015). Collection method: clinical testing. Allele origin: germline.

Blueprint Genetics
Classification: Likely benign. Last evaluated: 2024-09-04. Review status: criteria provided, single submitter. Criteria: ACMG Guidelines, 2015. Collection method: clinical testing. Allele origin: germline.

Eurofins Ntd Llc (ga)
Classification: Uncertain significance. Last evaluated: 2015-03-13. Review status: criteria provided, single submitter. Criteria: EGL Classification Definitions 2015. Collection method: clinical testing. Allele origin: germline. Observed: 1 variant allele, 1 heterozygote.